The following is an entry in ClinVar:

ClinVar aggregate classification (germline): Uncertain significance (1 of 4 stars; one submission).

Conditions:
Autosomal dominant nonsyndromic hearing loss 1. Also called: DEAFNESS, AUTOSOMAL DOMINANT 1, WITH OR WITHOUT THROMBOCYTOPENIA; KONIGSMARK SYNDROME. Identifiers: Orphanet 90635, MedGen C1852282, MONDO:0007424, OMIM 124900.
Progressive microcephaly-seizures-cortical blindness-developmental delay syndrome. Also called: Seizures, cortical blindness, and microcephaly syndrome. Identifiers: Orphanet 477814, MedGen C5567650, MONDO:0014714, OMIM 616632.

Allele frequency attached by ClinVar (database versions not stated): gnomAD exomes below 0.00001.
gnomAD v4.1: 6 of 1,614,006 alleles (0.00037%); highest among the groups gnomAD compares: Non-Finnish European, 0.00051%; no homozygotes.

Submission:

Labcorp Genetics (formerly Invitae), Labcorp
Classification: Uncertain significance for Progressive microcephaly-seizures-cortical blindness-developmental delay syndrome; Autosomal dominant nonsyndromic hearing loss 1. Last evaluated: 2024-03-24. Review status: criteria provided, single submitter. Criteria: Invitae Variant Classification Sherloc (09022015). Collection method: clinical testing. Allele origin: germline.
Comment: This sequence change replaces proline, which is neutral and non-polar, with threonine, which is neutral and polar, at codon 450 of the DIAPH1 protein (p.Pro450Thr). This variant is not present in population databases (gnomAD no frequency). This variant has not been reported in the literature in individuals affected with DIAPH1-related conditions. ClinVar contains an entry for this variant (Variation ID: 1426275). Experimental studies and prediction algorithms are not available or were not evaluated, and the functional significance of this variant is currently unknown. In summary, the available evidence is currently insufficient to determine the role of this variant in disease. Therefore, it has been classified as a Variant of Uncertain Significance.

NM_005219.5(DIAPH1):c.1348C>A (p.Pro450Thr)

Gene: DIAPH1 (diaphanous related formin 1; minus strand). Cytogenetic location: 5q31.3.
Variant type: single nucleotide variant.
Coding change: c.1348C>A on transcript NM_005219.5 (MANE Select); coding-DNA position 1348, C replaced by A.
Protein change: p.Pro450Thr; replaces proline 450 with threonine.
Molecular consequence: missense variant.
Genome position (GRCh38, 1-based): chr5:141,576,804, G>T on the plus strand (C>A on the coding strand, the complement: DIAPH1 is on the minus strand). VCF-style: chr5-141576804-G-T. GRCh37 (hg19) VCF-style: chr5-140956371-G-T.
Other names: c.1321C>A, p.Pro441Thr (NM_001079812.3); c.1348C>A, p.Pro450Thr (NM_001314007.2); short protein forms P441T, P450T.
Identifiers: ClinVar variation 1426275 (VCV001426275.6), dbSNP rs1263533400, ClinGen allele CA361527720.